The following is an entry in ClinVar:

NM_005560.6(LAMA5):c.10133T>G (p.Leu3378Arg)

Gene: LAMA5 (laminin subunit alpha 5; minus strand). Cytogenetic location: 20q13.33.
Variant type: single nucleotide variant.
Coding change: c.10133T>G on transcript NM_005560.6 (MANE Select); coding-DNA position 10133, T replaced by G.
Protein change: p.Leu3378Arg; replaces leucine 3378 with arginine.
Molecular consequence: missense variant.
Genome position (GRCh38, 1-based): chr20:62,311,050, A>C on the plus strand (T>G on the coding strand, the complement: LAMA5 is on the minus strand). VCF-style: chr20-62311050-A-C. GRCh37 (hg19) VCF-style: chr20-60886106-A-C.
Other names: short protein forms L3378R.
Identifiers: ClinVar variation 3351823 (VCV003351823.1).

ClinVar aggregate classification (germline): Uncertain significance (0 of 4 stars; one submission).

Conditions:
LAMA5-related disorder. Also called: LAMA5-related condition; LAMA5-Related Disorders.

gnomAD v4.1: 432 of 1,602,372 alleles (0.027%); highest among the groups gnomAD compares: East Asian, 0.034%; no homozygotes.

Submission:

PreventionGenetics, part of Exact Sciences
Classification: Uncertain significance for LAMA5-related condition. Last evaluated: 2024-03-20. Review status: no assertion criteria provided. Collection method: clinical testing. Allele origin: germline.
Comment: The LAMA5 c.10133T>G variant is predicted to result in the amino acid substitution p.Leu3378Arg. To our knowledge, this variant has not been reported in the literature. This variant is reported in 0.027% of alleles in individuals of Latino descent in gnomAD. At this time, the clinical significance of this variant is uncertain due to the absence of conclusive functional and genetic evidence.